The following is an entry in ClinVar:

NM_001171.6(ABCC6):c.4248T>C (p.Leu1416=)

Gene: ABCC6 (ATP binding cassette subfamily C member 6; minus strand). Cytogenetic location: 16p13.11.
Variant type: single nucleotide variant.
Coding change: c.4248T>C on transcript NM_001171.6 (MANE Select); coding-DNA position 4248, T replaced by C.
Protein change: p.Leu1416=; no amino-acid change (leucine 1416 retained).
Molecular consequence: synonymous variant. On other transcripts: non-coding transcript variant (1).
Genome position (GRCh38, 1-based): chr16:16,150,733, A>G on the plus strand (T>C on the coding strand, the complement: ABCC6 is on the minus strand). VCF-style: chr16-16150733-A-G. GRCh37 (hg19) VCF-style: chr16-16244590-A-G.
Other names: c.3906T>C, p.Leu1302= (NM_001351800.1).
Identifiers: ClinVar variation 2125745 (VCV002125745.5), dbSNP rs2510946557, ClinGen allele CA493799561.

ClinVar aggregate classification (germline): Likely benign. Review status: criteria provided, multiple submitters, no conflicts (2 of 4 stars). 2 submissions from 2 submitters: Likely benign (2). Last evaluated 2026-07-01.

Allele frequency attached by ClinVar (database versions not stated): gnomAD exomes 0.00001.
gnomAD v4.1: 3 of 1,613,876 alleles (0.00019%); highest among the groups gnomAD compares: Non-Finnish European, 0.00025%; no homozygotes.

Submissions (2):

CeGaT Center for Human Genetics Tuebingen
Classification: Likely benign. Last evaluated: 2026-07-01. Review status: criteria provided, single submitter. Criteria: CeGaT Center For Human Genetics Tuebingen Variant Classification Criteria Version 2. Collection method: clinical testing. Allele origin: germline. Affected: yes. Observed: 1 variant allele.
Comment: ABCC6: BP4, BP7

Labcorp Genetics (formerly Invitae), Labcorp
Classification: Likely benign. Last evaluated: 2025-12-06. Review status: criteria provided, single submitter. Criteria: Invitae Variant Classification Sherloc (09022015). Collection method: clinical testing. Allele origin: germline.